The following is an entry in ClinVar:

Conditions:
Long QT syndrome 5 (LQT5). Identifiers: Orphanet 101016, Orphanet 768, MedGen C1867904, MONDO:0013372, OMIM 613695.

Submission:

Roden Lab, Vanderbilt University Medical Center
No classification provided (evidence only). Condition: Long QT syndrome 5. Review status: no classification provided. Collection method: in vitro. Allele origin: not applicable. Functional consequence: Effect on ion channel function.
ClinVar note: "not provided" was previously submitted as the classification for the variant. However, the classification appeared to be based only on an observation of functional data so it was converted to no classification on 2025-07-30.

NM_000219.6(KCNE1):c.122A>T (p.Lys41Met)

Gene: KCNE1 (potassium voltage-gated channel subfamily E regulatory subunit 1; minus strand). Cytogenetic location: 21q22.12.
Variant type: single nucleotide variant.
Coding change: c.122A>T on transcript NM_000219.6 (MANE Select); coding-DNA position 122, A replaced by T.
Protein change: p.Lys41Met; replaces lysine 41 with methionine.
Molecular consequence: missense variant.
Genome position (GRCh38, 1-based): chr21:34,449,513, T>A on the plus strand (A>T on the coding strand, the complement: KCNE1 is on the minus strand). VCF-style: chr21-34449513-T-A. GRCh37 (hg19) VCF-style: chr21-35821811-T-A.
Other names: c.122A>T, p.Lys41Met (NM_001127668.4, NM_001127669.4, NM_001127670.4 and 4 more transcripts); short protein forms K41M.
Identifiers: ClinVar variation 3374104 (VCV003374104.2).